The following is an entry in ClinVar:

NM_016343.4(CENPF):c.3267A>C (p.Leu1089Phe)

Gene: CENPF (centromere protein F; plus strand). Cytogenetic location: 1q41.
Variant type: single nucleotide variant.
Coding change: c.3267A>C on transcript NM_016343.4 (MANE Select); coding-DNA position 3267, A replaced by C.
Protein change: p.Leu1089Phe; replaces leucine 1089 with phenylalanine.
Molecular consequence: missense variant.
Genome position (GRCh38, 1-based): chr1:214,641,605, A>C. VCF-style: chr1-214641605-A-C. GRCh37 (hg19) VCF-style: chr1-214814948-A-C.
Other names: short protein forms L1089F.
Identifiers: ClinVar variation 3142320 (VCV003142320.2), dbSNP rs371608412, ClinGen allele CA37363236.

ClinVar aggregate classification (germline): Uncertain significance. Review status: criteria provided, multiple submitters, no conflicts (2 of 4 stars). 2 submissions from 2 submitters: Uncertain significance (2). Last evaluated 2024-12-17.

Conditions:
Inborn genetic diseases. Identifiers: MedGen C0950123, MeSH D030342.

Allele frequency attached by ClinVar (database versions not stated): TOPMed below 0.00001; gnomAD exomes below 0.00001.
gnomAD v4.1: 2 of 1,555,794 alleles (0.00013%); highest among the groups gnomAD compares: East Asian, 0.0023%; no homozygotes.

Submissions (2):

GeneDx
Classification: Uncertain significance. Last evaluated: 2024-12-17. Review status: criteria provided, single submitter. Criteria: GeneDx Variant Classification Process June 2021. Collection method: clinical testing. Allele origin: germline. Affected: yes.
Comment: Not observed at significant frequency in large population cohorts (gnomAD); In silico analysis supports that this missense variant has a deleterious effect on protein structure/function; Has not been previously published as pathogenic or benign to our knowledge

Ambry Genetics
Classification: Uncertain significance for Inborn genetic diseases. Last evaluated: 2024-01-29. Review status: criteria provided, single submitter. Criteria: Ambry Variant Classification Scheme 2023. Collection method: clinical testing. Allele origin: germline.